The following is an entry in ClinVar:

NM_001081.4(CUBN):c.5189C>T (p.Thr1730Met)

Gene: CUBN (cubilin; minus strand). Cytogenetic location: 10p13.
Variant type: single nucleotide variant.
Coding change: c.5189C>T on transcript NM_001081.4 (MANE Select); coding-DNA position 5189, C replaced by T.
Protein change: p.Thr1730Met; replaces threonine 1730 with methionine.
Molecular consequence: missense variant.
Genome position (GRCh38, 1-based): chr10:16,948,498, G>A on the plus strand (C>T on the coding strand, the complement: CUBN is on the minus strand). VCF-style: chr10-16948498-G-A. GRCh37 (hg19) VCF-style: chr10-16990497-G-A.
Other names: short protein forms T1730M.
Identifiers: ClinVar variation 299468 (VCV000299468.12), dbSNP rs201958183, ClinGen allele CA5424110.
Genomic context (GRCh38, chr10:16,948,498, plus strand): 5'-TCCCTTTTAACCGCTAGAGTCAGGTGCTAGGGTTTCTTACCCGACACTGATGCGGTGACC[G>A]TGGTGTGGAAACCCCCAGCACTGATGCTAGAATCAGAGACGAATCTCAGCGTCAGGGCGC-3'
Protein context (NP_001072.2, residues 1720-1740): SSISAGGFHT[Thr1730Met]VTASVSACGG

ClinVar aggregate classification (germline): Conflicting classifications of pathogenicity. Review status: criteria provided, conflicting classifications (1 of 4 stars). 4 submissions from 4 submitters: Uncertain significance (3); Likely benign (1). Last evaluated 2024-01-20.

Conditions:
Proteinuria, chronic benign. Identifiers: MedGen C5394384, MONDO:0030042, OMIM 618884.
Imerslund-Grasbeck syndrome type 1 (IGS1). Also called: Megaloblastic anemia 1, Finnish type; MEGALOBLASTIC ANEMIA, 1; Imerslund-Gräsbeck syndrome 1. Identifiers: MedGen C4016819, MONDO:0100156, OMIM 261100.
Imerslund-Grasbeck syndrome. Also called: Megaloblastic anemia due to inborn errors of metabolism; Imerslund-Gräsbeck syndrome; ENTEROCYTE COBALAMIN MALABSORPTION; ENTEROCYTE INTRINSIC FACTOR RECEPTOR, DEFECT OF; PERNICIOUS ANEMIA, JUVENILE, DUE TO SELECTIVE INTESTINAL MALABSORPTION OF VITAMIN B12, WITH PROTEINURIA. Identifiers: Orphanet 35858, MedGen C4551825, MONDO:0009853.
Inborn genetic diseases. Identifiers: MedGen C0950123, MeSH D030342.

Allele frequency attached by ClinVar (database versions not stated): ExAC 0.00023; gnomAD exomes 0.00010 and 0.00020; gnomAD 0.00005 and 0.00007; TOPMed 0.00005.
gnomAD v4.1: 161 of 1,613,826 alleles (0.01%); highest among the groups gnomAD compares: Middle Eastern, 0.082%; 2 homozygotes.

Submissions (4):

Fulgent Genetics
Classification: Uncertain significance for Imerslund-Grasbeck syndrome type 1; Proteinuria, chronic benign. Last evaluated: 2024-01-20. Review status: criteria provided, single submitter. Criteria: ACMG Guidelines, 2015. Collection method: clinical testing. Allele origin: germline.

Ambry Genetics
Classification: Likely benign for Inborn genetic diseases. Last evaluated: 2022-04-06. Review status: criteria provided, single submitter. Criteria: Ambry Variant Classification Scheme 2023. Collection method: clinical testing. Allele origin: germline.

Labcorp Genetics (formerly Invitae), Labcorp
Classification: Uncertain significance for Imerslund-Grasbeck syndrome. Last evaluated: 2021-08-27. Review status: criteria provided, single submitter. Criteria: Invitae Variant Classification Sherloc (09022015). Collection method: clinical testing. Allele origin: germline.
Comment: This sequence change replaces threonine with methionine at codon 1730 of the CUBN protein (p.Thr1730Met). The threonine residue is moderately conserved and there is a moderate physicochemical difference between threonine and methionine. This variant is present in population databases (rs201958183, ExAC 0.03%). This variant has not been reported in the literature in individuals affected with CUBN-related conditions. ClinVar contains an entry for this variant (Variation ID: 299468). Algorithms developed to predict the effect of missense changes on protein structure and function output the following: SIFT: "Tolerated"; PolyPhen-2: "Probably Damaging"; Align-GVGD: "Class C0". The methionine amino acid residue is found in multiple mammalian species, which suggests that this missense change does not adversely affect protein function. In summary, the available evidence is currently insufficient to determine the role of this variant in disease. Therefore, it has been classified as a Variant of Uncertain Significance.

Illumina Laboratory Services, Illumina
Classification: Uncertain significance for Imerslund-Grasbeck syndrome type 1. Last evaluated: 2018-01-13. Review status: criteria provided, single submitter. Criteria: ICSL Variant Classification Criteria 13 December 2019. Collection method: clinical testing. Allele origin: germline.